The following is an entry in ClinVar:

ClinVar aggregate classification (germline): Uncertain significance. Review status: criteria provided, multiple submitters, no conflicts (2 of 4 stars). 2 submissions from 2 submitters: Uncertain significance (2). Last evaluated 2025-10-10.

Conditions:
Inborn genetic diseases. Identifiers: MedGen C0950123, MeSH D030342.
Hereditary sensory and autonomic neuropathy type 1 (HSAN1). Also called: HSAN 1; HSN Type I; Hereditary Sensory Neuropathy Type I. Identifiers: Orphanet 36386, MedGen C0020071, MONDO:0018213.

Allele frequency attached by ClinVar (database versions not stated): gnomAD exomes below 0.00001; TOPMed 0.00001.
gnomAD v4.1: 1 of 1,606,432 alleles (0.000062%); highest among the groups gnomAD compares: Admixed American, 0.0017%; no homozygotes.

Submissions (2):

Labcorp Genetics (formerly Invitae), Labcorp
Classification: Uncertain significance for Hereditary sensory and autonomic neuropathy type 1. Last evaluated: 2025-10-10. Review status: criteria provided, single submitter. Criteria: Invitae Variant Classification Sherloc (09022015). Collection method: clinical testing. Allele origin: germline.
Comment: This sequence change replaces lysine, which is basic and polar, with asparagine, which is neutral and polar, at codon 75 of the SPTLC1 protein (p.Lys75Asn). This variant is present in population databases (no rsID available, gnomAD 0.003%). This variant has not been reported in the literature in individuals affected with SPTLC1-related conditions. ClinVar contains an entry for this variant (Variation ID: 1788567). Invitae Evidence Modeling of protein sequence and biophysical properties (such as structural, functional, and spatial information, amino acid conservation, physicochemical variation, residue mobility, and thermodynamic stability) has been performed for this missense variant. However, the output from this modeling did not meet the statistical confidence thresholds required to predict the impact of this variant on SPTLC1 protein function. In summary, the available evidence is currently insufficient to determine the role of this variant in disease. Therefore, it has been classified as a Variant of Uncertain Significance.

Ambry Genetics
Classification: Uncertain significance for Inborn genetic diseases. Last evaluated: 2021-07-21. Review status: criteria provided, single submitter. Criteria: Ambry Variant Classification Scheme 2023. Collection method: clinical testing. Allele origin: germline.
Comment: The p.K75N variant (also known as c.225A>C), located in coding exon 3 of the SPTLC1 gene, results from an A to C substitution at nucleotide position 225. The lysine at codon 75 is replaced by asparagine, an amino acid with similar properties. This amino acid position is conserved. In addition, this alteration is predicted to be tolerated by in silico analysis. Since supporting evidence is limited at this time, the clinical significance of this alteration remains unclear.

NM_006415.4(SPTLC1):c.225A>C (p.Lys75Asn)

Gene: SPTLC1 (serine palmitoyltransferase long chain base subunit 1; minus strand). Cytogenetic location: 9q22.31.
Variant type: single nucleotide variant.
Coding change: c.225A>C on transcript NM_006415.4 (MANE Select); coding-DNA position 225, A replaced by C.
Protein change: p.Lys75Asn; replaces lysine 75 with asparagine.
Molecular consequence: missense variant. On other transcripts: 5 prime UTR variant (2).
Genome position (GRCh38, 1-based): chr9:92,108,775, T>G on the plus strand (A>C on the coding strand, the complement: SPTLC1 is on the minus strand). VCF-style: chr9-92108775-T-G. GRCh37 (hg19) VCF-style: chr9-94871057-T-G.
Other names: c.225A>C, p.Lys75Asn (NM_001281303.2, NM_178324.3); c.-275A>C (NM_001368272.1); c.-241A>C (NM_001368273.1); short protein forms K75N.
Identifiers: ClinVar variation 1788567 (VCV001788567.3), dbSNP rs1359060768, ClinGen allele CA373794492.